The following is an entry in ClinVar:

ClinVar aggregate classification (germline): Pathogenic/Likely pathogenic. Review status: criteria provided, multiple submitters, no conflicts (2 of 4 stars). 8 submissions from 8 submitters: Pathogenic (4); Likely pathogenic (3). 1 of the submissions does not count toward it. Last evaluated 2025-10-21.

Conditions:
PKD2-related disorder. Also called: PKD2-related condition.
Polycystic kidney disease 2 (PKD2). Also called: Polycystic Kidney Disease 2, Autosomal Dominant; POLYCYSTIC KIDNEY DISEASE, ADULT, TYPE II; POLYCYSTIC KIDNEY DISEASE 2 WITH OR WITHOUT POLYCYSTIC LIVER DISEASE. Identifiers: MedGen C2751306, MONDO:0013131, OMIM 613095.

Allele frequency attached by ClinVar (database versions not stated): gnomAD exomes below 0.00001; ExAC 0.00001; gnomAD 0.00001; TOPMed 0.00001; ESP Exome Variant Server 0.00008.
gnomAD v4.1: 5 of 1,613,880 alleles (0.00031%); highest among the groups gnomAD compares: Non-Finnish European, 0.00042%; no homozygotes.

Submissions (8):

Women's Health and Genetics/Laboratory Corporation of America, LabCorp
Classification: Pathogenic for Polycystic kidney disease 2. Last evaluated: 2025-10-21. Review status: criteria provided, single submitter. Criteria: LabCorp Variant Classification Summary - May 2015. Collection method: clinical testing. Allele origin: germline.
Comment: Variant summary: PKD2 c.965G>A (p.Arg322Gln) results in a conservative amino acid change in the encoded protein sequence. Algorithms developed to predict the effect of missense changes on protein structure and function are either unavailable or do not agree on the potential impact of this missense change. The variant allele was found at a frequency of 4e-06 in 251134 control chromosomes. c.965G>A has been observed in the heterozygous state in multiple individual(s) affected with Polycystic Kidney Disease 2 (example, Kurashige_2015, Peltola_2005), including at least 1 family where it segregated with disease. These data indicate that the variant is likely to be associated with disease. At least one publication reports experimental evidence evaluating an impact on protein function. The most pronounced variant effect results in <10% of normal channel activity in vitro (Vien_2020). The following publications have been ascertained in the context of this evaluation (PMID: 32332171, 24611717, 15772804). ClinVar contains an entry for this variant (Variation ID: 802079). Based on the evidence outlined above, the variant was classified as pathogenic.

GeneDx
Classification: Pathogenic. Last evaluated: 2025-07-22. Review status: criteria provided, single submitter. Criteria: GeneDx Variant Classification Process June 2021. Collection method: clinical testing. Allele origin: germline.
Comment: Published functional studies suggest this variant impairs PC1 maturation (PMID: 25574838); Not observed at significant frequency in large population cohorts (gnomAD); In silico analysis supports that this missense variant has a deleterious effect on protein structure/function; This variant is associated with the following publications: (PMID: 25333066, 32332171, 28356211, 15772804, 27835667, 22863349, 23300259, 30333007, 20950398, 32588366, 32251715, 31740684, 22383692, 16540757, 25574838, 36833371, 36938073, 35368817, 37028763, 39714991)

Blueprint Genetics
Classification: Pathogenic for PKD2-related disorders. Last evaluated: 2024-11-26. Review status: criteria provided, single submitter. Criteria: ACMG Guidelines, 2015. Collection method: clinical testing. Allele origin: germline. Affected: yes. Observed: 2 variant alleles.

Fulgent Genetics
Classification: Pathogenic for Polycystic kidney disease 2. Last evaluated: 2024-02-12. Review status: criteria provided, single submitter. Criteria: ACMG Guidelines, 2015. Collection method: clinical testing. Allele origin: germline.

3billion
Classification: Likely pathogenic for Polycystic kidney disease 2. Last evaluated: 2022-01-03. Review status: criteria provided, single submitter. Criteria: ACMG Guidelines, 2015. Collection method: clinical testing. Allele origin: germline. Affected: yes. Observed: 1 heterozygote.
Comment: Same nucleotide change resulting in same amino acid change has been previously reported to be associated with PKD2 related disorder (ClinVar ID: VCV000802079, PMID:15772804, PS1_P). A different missense change at the same codon has been reported as pathogenic/likely pathogenic with strong evidence (ClinVar ID: VCV000448039, PMID:26139440,11968093, PM5_M). In silico tool predictions suggest damaging effect of the variant on gene or gene product (REVEL: 0.889, 3CNET: 0.893, PP3_P). It is observed at an extremely low frequency in the gnomAD v2.1.1 dataset (total allele frequency: 0.000004, PM2_M). Therefore, this variant is classified as likely pathogenic according to the recommendation of ACMG/AMP guideline.

Department of Pathology and Laboratory Medicine, Sinai Health System
Classification: Likely pathogenic for Polycystic kidney disease 2. Last evaluated: 2021-02-09. Review status: criteria provided, single submitter. Criteria: ACMG Guidelines, 2015. Collection method: clinical testing. Allele origin: germline. Affected: yes.

Mendelics
Classification: Likely pathogenic for Polycystic kidney disease 2. Last evaluated: 2019-05-28. Review status: criteria provided, single submitter. Criteria: Mendelics Assertion Criteria 2017. Collection method: clinical testing. Allele origin: unknown.

PreventionGenetics, part of Exact Sciences
Classification: Pathogenic for PKD2-related condition. Last evaluated: 2024-02-26. Review status: no assertion criteria provided. Collection method: clinical testing. Allele origin: germline. Not counted in ClinVar's aggregate classification.
Comment: The PKD2 c.965G>A variant is predicted to result in the amino acid substitution p.Arg322Gln. This variant has been reported in unrelated patients with autosomal dominant polycystic kidney disease (ADPKD) (Peltola et al. 2005. PubMed ID: 15772804; Trujillano et al. 2014. PubMed ID: 25333066; Robinson et al. 2012. PubMed ID: 22863349). Of note, multiple different substitutions at the same codon have been reported in ADPKD patients (Human Gene Mutation Database). This variant is interpreted as pathogenic.

Literature cited by the submitters: PubMed 15772804 (cited by 3 submitters); PubMed 24611717 (cited by Women's Health and Genetics/Laboratory Corporation of America, LabCorp); PubMed 32332171 (cited by Women's Health and Genetics/Laboratory Corporation of America, LabCorp); PubMed 26139440 (cited by 3billion); PubMed 22383692 (cited by Department of Pathology and Laboratory Medicine, Sinai Health System); PubMed 16540757 (cited by Department of Pathology and Laboratory Medicine, Sinai Health System).

NM_000297.4(PKD2):c.965G>A (p.Arg322Gln)

Gene: PKD2 (polycystin 2, transient receptor potential cation channel; plus strand). Cytogenetic location: 4q22.1.
Variant type: single nucleotide variant.
Coding change: c.965G>A on transcript NM_000297.4 (MANE Select); coding-DNA position 965, G replaced by A.
Protein change: p.Arg322Gln; replaces arginine 322 with glutamine.
Molecular consequence: missense variant. On other transcripts: non-coding transcript variant (1).
Genome position (GRCh38, 1-based): chr4:88,038,372, G>A. VCF-style: chr4-88038372-G-A. GRCh37 (hg19) VCF-style: chr4-88959524-G-A.
Other names: c.965G>A (NM_000297.3); short protein forms R322Q.
Identifiers: ClinVar variation 802079 (VCV000802079.11), dbSNP rs145877597, ClinGen allele CA3003851.